The following is an entry in ClinVar:

NM_198525.3(KIF7):c.3062G>A (p.Arg1021His)

Gene: KIF7 (kinesin family member 7; minus strand). Cytogenetic location: 15q26.1.
Variant type: single nucleotide variant.
Coding change: c.3062G>A on transcript NM_198525.3 (MANE Select); coding-DNA position 3062, G replaced by A.
Protein change: p.Arg1021His; replaces arginine 1021 with histidine.
Molecular consequence: missense variant.
Genome position (GRCh38, 1-based): chr15:89,631,544, C>T on the plus strand (G>A on the coding strand, the complement: KIF7 is on the minus strand). VCF-style: chr15-89631544-C-T. GRCh37 (hg19) VCF-style: chr15-90174775-C-T.
Other names: short protein forms R1021H.
Identifiers: ClinVar variation 2166229 (VCV002166229.4), dbSNP rs1416932636, ClinGen allele CA393756926.

ClinVar aggregate classification (germline): Uncertain significance (1 of 4 stars; one submission).

Conditions:
Acrocallosal syndrome (ACLS). Also called: Schinzel syndrome 1; Absence of corpus callosum with unusual facial appearance, mental deficiency, duplication of the halluces and polydactyly; HALLUX DUPLICATION, POSTAXIAL POLYDACTYLY, AND ABSENCE OF CORPUS CALLOSUM. Identifiers: Orphanet 36, MedGen C0796147, MONDO:0008708, OMIM 200990.

Allele frequency attached by ClinVar (database versions not stated): gnomAD 0.00001; gnomAD exomes 0.00001; TOPMed 0.00002.
gnomAD v4.1: 12 of 1,582,968 alleles (0.00076%); highest among the groups gnomAD compares: South Asian, 0.0023%; no homozygotes.

Submission:

Labcorp Genetics (formerly Invitae), Labcorp
Classification: Uncertain significance for Acrocallosal syndrome. Last evaluated: 2022-08-21. Review status: criteria provided, single submitter. Criteria: Invitae Variant Classification Sherloc (09022015). Collection method: clinical testing. Allele origin: germline.
Comment: In summary, the available evidence is currently insufficient to determine the role of this variant in disease. Therefore, it has been classified as a Variant of Uncertain Significance. Algorithms developed to predict the effect of missense changes on protein structure and function are either unavailable or do not agree on the potential impact of this missense change (SIFT: "Deleterious"; PolyPhen-2: "Probably Damaging"; Align-GVGD: "Class C0"). This variant has not been reported in the literature in individuals affected with KIF7-related conditions. The frequency data for this variant in the population databases is considered unreliable, as metrics indicate poor data quality at this position in the gnomAD database. This sequence change replaces arginine, which is basic and polar, with histidine, which is basic and polar, at codon 1021 of the KIF7 protein (p.Arg1021His).